The following is an entry in ClinVar:

ClinVar aggregate classification (germline): Uncertain significance (1 of 4 stars; one submission).

Conditions:
Hereditary pancreatitis (PCTT). Also called: Hereditary chronic pancreatitis; PRSS1-Related Hereditary Pancreatitis. Identifiers: Orphanet 676, MedGen C0238339, MONDO:0008185, OMIM 167800.

Submission:

Ambry Genetics
Classification: Uncertain significance for Hereditary pancreatitis. Last evaluated: 2021-09-02. Review status: criteria provided, single submitter. Criteria: Ambry Variant Classification Scheme 2023. Collection method: clinical testing. Allele origin: germline.
Comment: The p.D162H variant (also known as c.484G>C), located in coding exon 4 of the PRSS1 gene, results from a G to C substitution at nucleotide position 484. The aspartic acid at codon 162 is replaced by histidine, an amino acid with similar properties. This amino acid position is conserved. In addition, this alteration is predicted to be tolerated by in silico analysis. Since supporting evidence is limited at this time, the clinical significance of this alteration remains unclear.

NM_002769.5(PRSS1):c.484G>C (p.Asp162His)

Genes: PRSS1 (serine protease 1; plus strand), TRB (T cell receptor beta locus; plus strand). Cytogenetic location: 7q34.
Variant type: single nucleotide variant.
Coding change: c.484G>C on transcript NM_002769.5 (MANE Select); coding-DNA position 484, G replaced by C.
Protein change: p.Asp162His; replaces aspartic acid 162 with histidine.
Molecular consequence: missense variant. On other transcripts: non-coding transcript variant (5).
Genome position (GRCh38, 1-based): chr7:142,752,460, G>C. VCF-style: chr7-142752460-G-C. GRCh37 (hg19) VCF-style: chr7-142460311-G-C.
Other names: short protein forms D162H.
Identifiers: ClinVar variation 1743564 (VCV001743564.2), dbSNP rs1171452978, ClinGen allele CA369609480.